The following continues an entry in ClinVar:

NM_025114.4(CEP290):c.1219_1220del (p.Met407fs)

Gene: CEP290. ClinVar aggregate classification (germline): Pathogenic. Pathogenic (1).

Submissions 10 to 22 of 22:

Institute of Human Genetics, Clinical Exome/Genome Diagnostics Group, University Hospital Bonn
Classification: Pathogenic for CEP290-related ciliopathy. Last evaluated: 2023-11-30. Review status: criteria provided, single submitter. Criteria: ACMG Guidelines, 2015. Collection method: clinical testing. Allele origin: germline. Affected: yes. Not counted in ClinVar's aggregate classification.

Institute for Clinical Genetics, University Hospital TU Dresden, University Hospital TU Dresden
Classification: Pathogenic. Last evaluated: 2022-12-06. Review status: criteria provided, single submitter. Criteria: ACMG Guidelines, 2015. Collection method: clinical testing. Allele origin: maternal. Not counted in ClinVar's aggregate classification.
Comment: PVS1, PM2_SUP, PM3_STR

Women's Health and Genetics/Laboratory Corporation of America, LabCorp
Classification: Pathogenic for CEP290-related disorder. Last evaluated: 2022-06-20. Review status: criteria provided, single submitter. Criteria: LabCorp Variant Classification Summary - May 2015. Collection method: clinical testing. Allele origin: germline. Not counted in ClinVar's aggregate classification.
Comment: Variant summary: CEP290 c.1219_1220delAT (p.Met407GlufsX14) results in a premature termination codon, predicted to cause a truncation of the encoded protein or absence of the protein due to nonsense mediated decay, which are commonly known mechanisms for disease. Truncations downstream of this position have been classified as pathogenic by our laboratory (e.g. c.1666dupA, p.Ile556AsnfsX20; c.2722C>T, p.Arg908X; c.5182G>T, p.Glu1728X). The variant allele was found at a frequency of 7.2e-05 in 248424 control chromosomes (gnomAD). c.1219_1220delAT has been reported in the literature in multiple individuals affected with CEP290-Related Disorders including Meckel Syndrome and Leber Congenital Amaurosis (e.g. Baala_2007, Perrault_2007, Tallila_2009, Wang_2013, Astuti_2016). These data indicate that the variant is very likely to be associated with disease. Seven assessments for this variant have been submitted to ClinVar after 2014 and all classified the variant as pathogenic. Based on the evidence outlined above, the variant was classified as pathogenic.

MGZ Medical Genetics Center
Classification: Pathogenic for Leber congenital amaurosis 10. Last evaluated: 2022-05-20. Review status: criteria provided, single submitter. Criteria: ACMG Guidelines, 2015. Collection method: clinical testing. Allele origin: germline. Affected: yes. Observed: 1 variant allele. Not counted in ClinVar's aggregate classification.
Comment: ACMG criteria applied: PVS1, PS4_MOD, PM2_SUP

Blueprint Genetics
Classification: Pathogenic for CEP290-related disorders. Last evaluated: 2021-06-01. Review status: criteria provided, single submitter. Criteria: ACMG Guidelines, 2015. Collection method: clinical testing. Allele origin: germline. Affected: yes. Observed: 4 variant alleles. Not counted in ClinVar's aggregate classification.

Institute of Human Genetics, Univ. Regensburg, Univ. Regensburg
Classification: Pathogenic for Retinal dystrophy. Last evaluated: 2018-01-01. Review status: criteria provided, single submitter. Criteria: ACMG Guidelines, 2015. Collection method: clinical testing. Allele origin: germline. Affected: yes. Not counted in ClinVar's aggregate classification.

Genetic Services Laboratory, University of Chicago
Classification: Pathogenic for Meckel syndrome 4. Last evaluated: 2016-01-04. Review status: criteria provided, single submitter. Criteria: ACMG Guidelines, 2015. Collection method: clinical testing. Allele origin: germline. Affected: yes. Not counted in ClinVar's aggregate classification.

UW Hindbrain Malformation Research Program, University of Washington
Classification: Pathogenic for Joubert syndrome 5. Last evaluated: 2015-02-23. Review status: criteria provided, single submitter. Criteria: Bachmann-Gagescu et al. (J Med Genet. 2015). Collection method: research. Allele origin: unknown. Affected: yes. Not counted in ClinVar's aggregate classification.

Juno Genomics, Hangzhou Juno Genomics, Inc
Classification: Pathogenic for Bardet-Biedl syndrome 14; Joubert syndrome 5; Leber congenital amaurosis 10; Meckel syndrome, type 4; Senior-Loken syndrome 6. Review status: criteria provided, single submitter. Criteria: ACMG Guidelines, 2015. Collection method: clinical testing. Allele origin: germline. Not counted in ClinVar's aggregate classification.
Comment: Absent from controls (or at extremely low frequency if recessive) in Genome Aggregation Database.;Null variant in a gene where loss of function (LOF) is a known mechanism of disease.;For recessive disorders, detected in trans with a pathogenic variant.;Patient's phenotype or family history is highly specific for a disease with a single genetic etiology.

PreventionGenetics, part of Exact Sciences
Classification: Pathogenic for CEP290-related condition. Last evaluated: 2024-04-24. Review status: no assertion criteria provided. Collection method: clinical testing. Allele origin: germline. Not counted in ClinVar's aggregate classification.
Comment: The CEP290 c.1219_1220delAT variant is predicted to result in a frameshift and premature protein termination (p.Met407Glufs*14). This variant has been reported to be causative for Leber congenital amaurosis and Joubert syndrome (Perrault et al. 2007. PubMed ID: 17345604; Table S5, Bachmann-Gagescu et al. 2015. PubMed ID: 26092869; Radha Rama Devi et al. 2020. PubMed ID: 32139166). This variant is reported in 0.032% of alleles in individuals of European (Finnish) descent in gnomAD. Frameshift variants in CEP290 are expected to be pathogenic. This variant is interpreted as pathogenic.

Clinical Genetics DNA and cytogenetics Diagnostics Lab, Erasmus MC, Erasmus Medical Center
Classification: Pathogenic. Review status: no assertion criteria provided. Collection method: clinical testing. Allele origin: germline. Affected: yes. Study: VKGL Data-share Consensus. Not counted in ClinVar's aggregate classification.

Joint Genome Diagnostic Labs from Nijmegen and Maastricht, Radboudumc and MUMC+
Classification: Pathogenic. Review status: no assertion criteria provided. Collection method: clinical testing. Allele origin: germline. Affected: yes. Study: VKGL Data-share Consensus. Not counted in ClinVar's aggregate classification.

Juha Muilu Group; Institute for Molecular Medicine Finland (FIMM)
Classification: Likely pathogenic for Meckel syndrome type 4. Review status: no assertion criteria provided. Collection method: not provided. Allele origin: unknown. Not counted in ClinVar's aggregate classification.
Comment: FinDis database variant: This variant was not found or characterized by our laboratory, data were collected from public sources: see reference
ClinVar note: Converted during submission from probable-pathogenic to Likely pathogenic.

Literature cited by the submitters: PubMed 16909394 (cited by Labcorp Genetics (formerly Invitae), Labcorp); PubMed 17345604 (cited by 5 submitters); PubMed 20690115 (cited by Labcorp Genetics (formerly Invitae), Labcorp); PubMed 17564974 (cited by Labcorp Genetics (formerly Invitae), Labcorp and Women's Health and Genetics/Laboratory Corporation of America, LabCorp); PubMed 26092869 (cited by Labcorp Genetics (formerly Invitae), Labcorp and Institute of Human Genetics, Univ. Regensburg, Univ. Regensburg); PubMed 19466712 (cited by Natera, Inc. and Women's Health and Genetics/Laboratory Corporation of America, LabCorp); PubMed 26626312 (cited by Natera, Inc. and Women's Health and Genetics/Laboratory Corporation of America, LabCorp); PubMed 32139166 (cited by Myriad Genetics, Inc. and Institute of Human Genetics, Univ. Regensburg, Univ. Regensburg); PubMed 23847139 (cited by Women's Health and Genetics/Laboratory Corporation of America, LabCorp); PubMed 29398085 (cited by Institute of Human Genetics, Univ. Regensburg, Univ. Regensburg); PubMed 31589614 (cited by Institute of Human Genetics, Univ. Regensburg, Univ. Regensburg); PubMed 31964843 (cited by Institute of Human Genetics, Univ. Regensburg, Univ. Regensburg); PubMed 32865313 (cited by Institute of Human Genetics, Univ. Regensburg, Univ. Regensburg); PubMed 32037395 (cited by Institute of Human Genetics, Univ. Regensburg, Univ. Regensburg); PubMed 34426522 (cited by Institute of Human Genetics, Univ. Regensburg, Univ. Regensburg); PubMed 34196655 (cited by Institute of Human Genetics, Univ. Regensburg, Univ. Regensburg); PubMed 36460718 (cited by Institute of Human Genetics, Univ. Regensburg, Univ. Regensburg); PubMed 35456422 (cited by Institute of Human Genetics, Univ. Regensburg, Univ. Regensburg).